The following is an entry in ClinVar:

NM_001814.6(CTSC):c.124del (p.Gln42fs)

Genes: CTSC (cathepsin C; minus strand), LOC130006572 (ATAC-STARR-seq lymphoblastoid active region 5382; plus strand). Cytogenetic location: 11q14.2.
Variant type: Deletion.
Coding change: c.124del on transcript NM_001814.6 (MANE Select); coding-DNA position 124, one base deleted (C; older notation c.124delC).
Protein change: p.Gln42fs; shifts the reading frame from glutamine 42.
Molecular consequence: frameshift variant.
Genome position (GRCh38, 1-based): chr11:88,337,549, G deleted on the plus strand (C on the coding strand, the reverse complement: CTSC is on the minus strand); the first of 2 consecutive G bases (chr11:88,337,549-88,337,550); deleting either gives the same sequence. VCF-style (leftmost placement, unchanged base first): chr11-88337548-TG-T. GRCh37 (hg19) VCF-style: chr11-88070716-TG-T.
Other names: c.124del, p.Gln42fs (NM_001114173.3, NM_148170.5); short protein forms Q42fs.
Identifiers: ClinVar variation 1929428 (VCV001929428.5), dbSNP rs1938536859, ClinGen allele CA940580670.
Genomic context (GRCh38, chr11:88,337,548, plus strand): 5'-GCCGGCGGCTTACCCATAACCGAGCAGTTGACATCGCGCTGGGAACCGCTGGAGCCCACC[TG>T]GAAGACCCAGGTGCCCAGCAGGTCAAGATAGGTGCAGTTGGCAGGTGTGTCGCAGCGCAC-3'

ClinVar aggregate classification (germline): Pathogenic (1 of 4 stars; one submission).

Conditions:
Periodontitis, aggressive. Identifiers: MedGen C0031106, MONDO:0980757.
Haim-Munk syndrome (HMS). Also called: COCHIN JEWISH DISORDER; KERATOSIS PALMOPLANTARIS WITH PERIODONTOPATHIA AND ONYCHOGRYPOSIS. Identifiers: Orphanet 2342, MedGen C1855627, MONDO:0009491, OMIM 245010.
Papillon-Lefèvre syndrome (PALS). Also called: KERATOSIS PALMOPLANTARIS WITH PERIODONTOPATHIA; Papillon-Lefevre Disease. Identifiers: Orphanet 678, MedGen C0030360, MONDO:0009490, OMIM 245000.

Submission:

Labcorp Genetics (formerly Invitae), Labcorp
Classification: Pathogenic for Haim-Munk syndrome; Periodontitis, aggressive; Papillon-Lefèvre syndrome. Last evaluated: 2023-11-09. Review status: criteria provided, single submitter. Criteria: Invitae Variant Classification Sherloc (09022015). Collection method: clinical testing. Allele origin: germline.
Comment: This sequence change creates a premature translational stop signal (p.Gln42Argfs*23) in the CTSC gene. It is expected to result in an absent or disrupted protein product. Loss-of-function variants in CTSC are known to be pathogenic (PMID: 10662808, 11106356, 11886537). This variant is not present in population databases (gnomAD no frequency). This premature translational stop signal has been observed in individual(s) with Haim-Munk syndrome (PMID: 31980526). ClinVar contains an entry for this variant (Variation ID: 1929428). For these reasons, this variant has been classified as Pathogenic.

Literature cited by the submitters: PubMed 10662808; PubMed 11106356; PubMed 11886537; PubMed 31980526.